The following is an entry in ClinVar:

NM_000246.4(CIITA):c.1963G>C (p.Gly655Arg)

Gene: CIITA (class II major histocompatibility complex transactivator; plus strand). Cytogenetic location: 16p13.13.
Variant type: single nucleotide variant.
Coding change: c.1963G>C on transcript NM_000246.4 (MANE Select); coding-DNA position 1963, G replaced by C.
Protein change: p.Gly655Arg; replaces glycine 655 with arginine.
Molecular consequence: missense variant. On other transcripts: intron variant (1).
Genome position (GRCh38, 1-based): chr16:10,907,455, G>C. VCF-style: chr16-10907455-G-C. GRCh37 (hg19) VCF-style: chr16-11001312-G-C.
Other names: c.1966G>C, p.Gly656Arg (NM_001286402.1, NM_001379332.1); c.1819G>C, p.Gly607Arg (NM_001379330.1); c.1816G>C, p.Gly606Arg (NM_001379331.1); c.1963G>C, p.Gly655Arg (NM_001379333.1); c.1894G>C, p.Gly632Arg (NM_001379334.1); c.860-1528G>C (NM_001286403.2); short protein forms G606R, G607R, G655R, G656R, G632R.
Identifiers: ClinVar variation 965842 (VCV000965842.11), dbSNP rs919087827, ClinGen allele CA277746648.
Genomic context (GRCh38, chr16:10,907,455, plus strand): 5'-TCCACGCTCACGGGACTCTATGTCGGCCTGCTGGGCCGTGCAGCCCTCGACAGCCCCCCC[G>C]GGGCCCTGGCAGAGCTGGCCAAGCTGGCCTGGGAGCTGGGCCGCAGACATCAAAGTACCC-3'
Protein context (NP_000237.2, residues 645-665): LGRAALDSPP[Gly655Arg]ALAELAKLAW

ClinVar aggregate classification (germline): Uncertain significance. Review status: criteria provided, multiple submitters, no conflicts (2 of 4 stars). 3 submissions from 3 submitters: Uncertain significance (2). 1 of the submissions does not count toward it. Last evaluated 2025-09-25.

Conditions:
Inborn genetic diseases. Identifiers: MedGen C0950123, MeSH D030342.
MHC class II deficiency. Also called: Bare lymphocyte syndrome 2; BLS, TYPE II. Identifiers: Orphanet 572, MedGen C5447452, MONDO:0008855.

Allele frequency attached by ClinVar (database versions not stated): TOPMed 0.00001.
gnomAD v4.1: 3 of 1,613,224 alleles (0.00019%); highest among the groups gnomAD compares: African/African-American, 0.0013%; no homozygotes.

Submissions (3):

Ambry Genetics
Classification: Uncertain significance for Inborn genetic diseases. Last evaluated: 2025-09-25. Review status: criteria provided, single submitter. Criteria: Ambry Variant Classification Scheme 2023. Collection method: clinical testing. Allele origin: germline.

Labcorp Genetics (formerly Invitae), Labcorp
Classification: Uncertain significance for MHC class II deficiency. Last evaluated: 2021-09-01. Review status: criteria provided, single submitter. Criteria: Invitae Variant Classification Sherloc (09022015). Collection method: clinical testing. Allele origin: germline.
Comment: This sequence change replaces glycine with arginine at codon 655 of the CIITA protein (p.Gly655Arg). The glycine residue is highly conserved and there is a moderate physicochemical difference between glycine and arginine. This variant is not present in population databases (ExAC no frequency). This variant has not been reported in the literature in individuals affected with CIITA-related conditions. Algorithms developed to predict the effect of missense changes on protein structure and function are either unavailable or do not agree on the potential impact of this missense change (SIFT: "Deleterious"; PolyPhen-2: "Benign"; Align-GVGD: "Class C0"). In summary, the available evidence is currently insufficient to determine the role of this variant in disease. Therefore, it has been classified as a Variant of Uncertain Significance.

Natera, Inc.
Classification: Uncertain significance for Bare lymphocyte syndrome type II. Last evaluated: 2020-04-18. Review status: no assertion criteria provided. Collection method: clinical testing. Allele origin: germline. Not counted in ClinVar's aggregate classification.